The following is an entry in ClinVar:

ClinVar aggregate classification (germline): Pathogenic. Review status: reviewed by expert panel (3 of 4 stars). 2 submissions from 2 submitters: Pathogenic (1). 1 of the submissions does not count toward it. Last evaluated 2017-12-15.

Conditions:
Breast-ovarian cancer, familial, susceptibility to, 2 (BROVCA2). Also called: BRCA2 Hereditary Breast and Ovarian Cancer. Identifiers: Orphanet 145, MedGen C2675520, MONDO:0012933, OMIM 612555. Disease mechanism: loss of function.
Familial cancer of breast. Also called: BREAST CANCER, FAMILIAL; Hereditary breast cancer; hereditary breast carcinoma. Identifiers: Orphanet 227535, MedGen C0346153, MONDO:0016419, OMIM 114480. Disease mechanism: loss of function.

Submissions (2):

Evidence-based Network for the Interpretation of Germline Mutant Alleles (ENIGMA)
Classification: Pathogenic for Breast-ovarian cancer, familial, susceptibility to, 2. Last evaluated: 2017-12-15. Review status: reviewed by expert panel. Criteria: ENIGMA BRCA1/2 Classification Criteria (2017-06-29). Collection method: curation. Allele origin: germline. Study: ENIGMA.
Comment: Variant allele predicted to encode a truncated non-functional protein.

ClinVar Staff, National Center for Biotechnology Information (NCBI)
No classification provided. Condition: Familial cancer of breast. Review status: no classification provided. Collection method: literature only. Allele origin: germline. Affected: yes. Not counted in ClinVar's aggregate classification.

Literature cited by the submitters: PubMed 17018160 (cited by ClinVar Staff, National Center for Biotechnology Information (NCBI)).

NM_000059.4(BRCA2):c.8348dup (p.Arg2784fs)

Gene: BRCA2 (BRCA2 DNA repair associated; plus strand). Cytogenetic location: 13q13.1.
Variant type: Duplication.
Coding change: c.8348dup on transcript NM_000059.4 (MANE Select); coding-DNA position 8348, one base duplicated (C; older notation c.8348dupC).
Protein change: p.Arg2784fs; shifts the reading frame from arginine 2784.
Molecular consequence: frameshift variant.
Genome position (GRCh38, 1-based): chr13:32,370,418, C duplicated. VCF-style (leftmost placement, unchanged base first): chr13-32370417-A-AC. GRCh37 (hg19) VCF-style: chr13-32944554-A-AC.
Other names: c.8348dupC (NM_000059.3); short protein forms R2784fs.
Identifiers: ClinVar variation 52558 (VCV000052558.3), dbSNP rs397507980, ClinGen allele CA025592.
Genomic context (GRCh38, chr13:32,370,417, plus strand): 5'-ATACATATTTAACTACTAAATCAATATATTTATTAATTTGTCCAGATTTCTGCTAACAGT[A>AC]CTCGGCCTGCTCGCTGGTATACCAAACTTGGATTCTTTCCTGACCCTAGACCTTTTCCTC-3'